The following is an entry in ClinVar:

NM_002439.5(MSH3):c.1949C>T (p.Ser650Leu)

Gene: MSH3 (mutS homolog 3; plus strand). Cytogenetic location: 5q14.1.
Variant type: single nucleotide variant.
Coding change: c.1949C>T on transcript NM_002439.5 (MANE Select); coding-DNA position 1949, C replaced by T.
Protein change: p.Ser650Leu; replaces serine 650 with leucine.
Molecular consequence: missense variant.
Genome position (GRCh38, 1-based): chr5:80,767,985, C>T. VCF-style: chr5-80767985-C-T. GRCh37 (hg19) VCF-style: chr5-80063804-C-T.
Other names: c.1949C>T (NM_002439.3); short protein forms S650L.
Identifiers: ClinVar variation 1426497 (VCV001426497.9), dbSNP rs2112884343, ClinGen allele CA360277545.

ClinVar aggregate classification (germline): Uncertain significance. Review status: criteria provided, multiple submitters, no conflicts (2 of 4 stars). 2 submissions from 2 submitters: Uncertain significance (2). Last evaluated 2024-06-07.

Conditions:
Hereditary cancer-predisposing syndrome. Also called: Tumor predisposition; Hereditary neoplastic syndrome; Neoplastic Syndromes, Hereditary; Hereditary Cancer Syndrome. Identifiers: Orphanet 140162, MedGen C0027672, MeSH D009386, MONDO:0015356.

Submissions (2):

Ambry Genetics
Classification: Uncertain significance for Hereditary cancer-predisposing syndrome. Last evaluated: 2024-06-07. Review status: criteria provided, single submitter. Criteria: Ambry Variant Classification Scheme 2023. Collection method: clinical testing. Allele origin: germline.
Comment: The p.S650L variant (also known as c.1949C>T), located in coding exon 14 of the MSH3 gene, results from a C to T substitution at nucleotide position 1949. The serine at codon 650 is replaced by leucine, an amino acid with dissimilar properties. This amino acid position is conserved. In addition, this alteration is predicted to be tolerated by in silico analysis. Based on the available evidence, the clinical significance of this variant remains unclear.

Labcorp Genetics (formerly Invitae), Labcorp
Classification: Uncertain significance. Last evaluated: 2021-03-13. Review status: criteria provided, single submitter. Criteria: Invitae Variant Classification Sherloc (09022015). Collection method: clinical testing. Allele origin: germline.
Comment: Algorithms developed to predict the effect of missense changes on protein structure and function output the following: SIFT: "Tolerated"; PolyPhen-2: "Benign"; Align-GVGD: "Class C0". The leucine amino acid residue is found in multiple mammalian species, suggesting that this missense change does not adversely affect protein function. These predictions have not been confirmed by published functional studies and their clinical significance is uncertain. In summary, the available evidence is currently insufficient to determine the role of this variant in disease. Therefore, it has been classified as a Variant of Uncertain Significance. This variant has not been reported in the literature in individuals with MSH3-related conditions. This variant is not present in population databases (ExAC no frequency). This sequence change replaces serine with leucine at codon 650 of the MSH3 protein (p.Ser650Leu). The serine residue is moderately conserved and there is a large physicochemical difference between serine and leucine.